The following is an entry in ClinVar:

NM_006734.4(HIVEP2):c.1743C>T (p.Thr581=)

Gene: HIVEP2 (HIVEP zinc finger 2; minus strand). Cytogenetic location: 6q24.2.
Variant type: single nucleotide variant.
Coding change: c.1743C>T on transcript NM_006734.4 (MANE Select); coding-DNA position 1743, C replaced by T.
Protein change: p.Thr581=; no amino-acid change (threonine 581 retained).
Molecular consequence: synonymous variant.
Genome position (GRCh38, 1-based): chr6:142,772,996, G>A on the plus strand (C>T on the coding strand, the complement: HIVEP2 is on the minus strand). VCF-style: chr6-142772996-G-A. GRCh37 (hg19) VCF-style: chr6-143094133-G-A.
Other names: c.1743C>T (NM_006734.3).
Identifiers: ClinVar variation 2872977 (VCV002872977.5), dbSNP rs373491979, ClinGen allele CA4028546.

ClinVar aggregate classification (germline): Benign. Review status: criteria provided, single submitter (1 of 4 stars). 2 submissions from 2 submitters: Benign (1). 1 of the submissions does not count toward it. Last evaluated 2024-12-31.

Conditions:
HIVEP2-related disorder. Also called: HIVEP2-related condition.

Allele frequency attached by ClinVar (database versions not stated): gnomAD exomes 0.00002; TOPMed 0.00002; gnomAD 0.00003; ExAC 0.00007; ESP Exome Variant Server 0.00008.

Submissions (2):

Labcorp Genetics (formerly Invitae), Labcorp
Classification: Benign. Last evaluated: 2024-12-31. Review status: criteria provided, single submitter. Criteria: Invitae Variant Classification Sherloc (09022015). Collection method: clinical testing. Allele origin: germline.

PreventionGenetics, part of Exact Sciences
Classification: Likely benign for HIVEP2-related condition. Last evaluated: 2019-07-15. Review status: no assertion criteria provided. Collection method: clinical testing. Allele origin: germline. Not counted in ClinVar's aggregate classification.
Comment: This variant is classified as likely benign based on ACMG/AMP sequence variant interpretation guidelines (Richards et al. 2015 PMID: 25741868, with internal and published modifications).